The following is an entry in ClinVar:

ClinVar aggregate classification (germline): Pathogenic (1 of 4 stars; one submission).

Conditions:
Inborn genetic diseases. Identifiers: MedGen C0950123, MeSH D030342.

Submission:

Ambry Genetics
Classification: Pathogenic for Inborn genetic diseases. Last evaluated: 2025-04-30. Review status: criteria provided, single submitter. Criteria: Ambry Variant Classification Scheme 2023. Collection method: clinical testing. Allele origin: germline.
Comment: The c.4286_4287delCT (p.S1429Yfs*34) alteration, located in exon 30 (coding exon 29) of the MADD gene, consists of a deletion of 2 nucleotides from position 4286 to 4287, causing a translational frameshift with a predicted alternate stop codon after 34 amino acids. This alteration is expected to result in loss of function by premature protein truncation or nonsense-mediated mRNA decay. This variant was not reported in population-based cohorts in the Genome Aggregation Database (gnomAD). Based on the available evidence, this alteration is classified as pathogenic.

NM_001376571.1(MADD):c.4286_4287del (p.Ser1429fs)

Gene: MADD (MAP kinase activating death domain; plus strand). Cytogenetic location: 11p11.2.
Variant type: Microsatellite.
Coding change: c.4286_4287del on transcript NM_001376571.1 (MANE Select); coding-DNA positions 4286 to 4287, 2 bases deleted (CT; older notation c.4286_4287delCT).
Protein change: p.Ser1429fs; shifts the reading frame from serine 1429.
Molecular consequence: frameshift variant. On other transcripts: non-coding transcript variant (8), intron variant (1).
Genome position (GRCh38, 1-based): chr11:47,315,236-47,315,237, CT deleted; deleting any 2 consecutive bases within chr11:47,315,231-47,315,237 gives the same sequence; the c. name uses the placement nearest the transcript's 3' end. VCF-style (leftmost placement, unchanged base first): chr11-47315230-ATC-A. GRCh37 (hg19) VCF-style: chr11-47336781-ATC-A.
Other names: c.3977_3978del, p.Ser1326fs (NM_001135943.2); c.3968_3969del, p.Ser1323fs (NM_001135944.2, NM_001376618.1, NM_001376619.1 and 2 more transcripts); c.4274_4275del, p.Ser1425fs (NM_001376572.1, NM_001376573.1, NM_001376599.1 and 2 more transcripts); c.4232_4233del, p.Ser1411fs (NM_001376574.1, NM_001376605.1); c.4226_4227del, p.Ser1409fs (NM_001376575.1); c.4214_4215del, p.Ser1405fs (NM_001376576.1, NM_001376577.1, NM_001376610.1); c.4187_4188del, p.Ser1396fs (NM_001376578.1); c.4160_4161del, p.Ser1387fs (NM_001376579.1, NM_001376580.1, NM_001376622.1 and 1 more transcripts); and 43 more; short protein forms S1148fs, S1267fs, S1320fs, S1336fs, S1343fs, S1347fs, S1356fs, S1357fs.
Identifiers: ClinVar variation 4050443 (VCV004050443.1).
Genomic context (GRCh38, chr11:47,315,230, plus strand): 5'-CCCTCTGAGAGGGATGTATGACTGTCCCTAAAAAATCTCTCTTTCATCAGAATGGACGCG[ATC>A]TCTCTATCTGGTCCAGTGGCAGCCGGCACATGAAGAAGCAGACATTTGTGGTACATGCAG-3'